The following is an entry in ClinVar:

ClinVar aggregate classification (germline): Likely benign. Review status: criteria provided, multiple submitters, no conflicts (2 of 4 stars). 8 submissions from 8 submitters: Likely benign (4). 4 of the submissions do not count toward it. Last evaluated 2025-12-08.

Conditions:
TTR-related disorder. Also called: TTR-related disorders; TTR-related condition.
Amyloidosis, hereditary systemic 1 (AMYLD1). Also called: Hereditary oculoleptomeningeal amyloid angiopathy; Familial Transthyretin Amyloidosis; AMYLOID CARDIOMYOPATHY; Familial amyloid polyneuropathy; Transthyretin Amyloidosis; Isolated Cardiac Amyloidosis. Identifiers: Orphanet 85447, Orphanet 85451, MedGen C2751492, MONDO:0971004, OMIM 105210.

Allele frequency attached by ClinVar (database versions not stated): ExAC 0.00001; TOPMed 0.00002; gnomAD 0.00003; gnomAD exomes 0.00003 and 0.00004.
gnomAD v4.1: 70 of 1,613,662 alleles (0.0043%); highest among the groups gnomAD compares: Non-Finnish European, 0.0052%; no homozygotes.

Submissions (8):

Labcorp Genetics (formerly Invitae), Labcorp
Classification: Likely benign for Amyloidosis, hereditary systemic 1. Last evaluated: 2025-12-08. Review status: criteria provided, single submitter. Criteria: Invitae Variant Classification Sherloc (09022015). Collection method: clinical testing. Allele origin: germline.

Women's Health and Genetics/Laboratory Corporation of America, LabCorp
Classification: Likely benign. Last evaluated: 2025-07-07. Review status: criteria provided, single submitter. Criteria: LabCorp Variant Classification Summary - May 2015. Collection method: clinical testing. Allele origin: germline.
Comment: Variant summary: TTR c.70-9T>C alters a non-conserved nucleotide located at a position not widely known to affect splicing. Consensus agreement among computation tools predict no significant impact on normal splicing. However, these predictions have yet to be confirmed by functional studies. The variant allele was found at a frequency of 2.8e-05 in 251454 control chromosomes, predominantly at a frequency of 5.3e-05 within the Non-Finnish European subpopulation in the gnomAD database. The available data on variant occurrences in the general population are insufficient to allow any conclusion about variant significance. To our knowledge, no occurrence of c.70-9T>C in individuals affected with Transthyretin Amyloidosis and no experimental evidence demonstrating its impact on protein function have been reported. ClinVar contains an entry for this variant (Variation ID: 386609). Based on the evidence outlined above, the variant was classified as likely benign.

Athena Diagnostics
Classification: Likely benign. Last evaluated: 2024-12-31. Review status: criteria provided, single submitter. Criteria: Athena Diagnostics Criteria. Collection method: clinical testing. Allele origin: unknown.
Comment: Computational tools yielded predictions that this variant is unlikely to have an effect on normal RNA splicing. This nucleotide position exhibits low evolutionary conservation.

GeneDx
Classification: Likely benign. Last evaluated: 2018-12-12. Review status: criteria provided, single submitter. Criteria: GeneDx Variant Classification Process June 2021. Collection method: clinical testing. Allele origin: germline. Affected: yes.

PreventionGenetics, part of Exact Sciences
Classification: Likely benign for TTR-related condition. Last evaluated: 2020-09-09. Review status: no assertion criteria provided. Collection method: clinical testing. Allele origin: germline. Not counted in ClinVar's aggregate classification.
Comment: This variant is classified as likely benign based on ACMG/AMP sequence variant interpretation guidelines (Richards et al. 2015 PMID: 25741868, with internal and published modifications).

Molecular Genetics Laboratory, BC Children's and BC Women's Hospitals
Classification: Uncertain significance for TRANSTHYRETIN AMYLOIDOSIS. Last evaluated: 2019-12-13. Review status: no assertion criteria provided. Criteria: ACMG Guidelines, 2015. Collection method: clinical testing. Allele origin: germline. Affected: yes. Not counted in ClinVar's aggregate classification.

Clinical Genetics, Academic Medical Center
Classification: Benign. Review status: no assertion criteria provided. Collection method: clinical testing. Allele origin: germline. Affected: yes. Study: VKGL Data-share Consensus. Not counted in ClinVar's aggregate classification.

Genome Diagnostics Laboratory, University Medical Center Utrecht
Classification: Likely benign. Review status: no assertion criteria provided. Collection method: clinical testing. Allele origin: germline. Affected: yes. Study: VKGL Data-share Consensus. Not counted in ClinVar's aggregate classification.

NM_000371.4(TTR):c.70-9T>C

Gene: TTR (transthyretin; plus strand). Cytogenetic location: 18q12.1.
Variant type: single nucleotide variant.
Coding change: c.70-9T>C on transcript NM_000371.4 (MANE Select); 9 bases into the intron before coding-DNA position 70, T replaced by C.
Molecular consequence: intron variant.
Genome position (GRCh38, 1-based): chr18:31,592,887, T>C. VCF-style: chr18-31592887-T-C. GRCh37 (hg19) VCF-style: chr18-29172850-T-C.
Identifiers: ClinVar variation 386609 (VCV000386609.16), dbSNP rs764059061, ClinGen allele CA8928403.